The following is an entry in ClinVar:

NM_058163.3(TSR2):c.172+3G>A

Gene: TSR2 (TSR2 ribosome maturation factor; plus strand). Cytogenetic location: Xp11.22.
Variant type: single nucleotide variant.
Coding change: c.172+3G>A on transcript NM_058163.3 (MANE Select); 3 bases into the intron after coding-DNA position 172, G replaced by A.
Molecular consequence: intron variant. On other transcripts: 5 prime UTR variant (2).
Genome position (GRCh38, 1-based): chrX:54,440,783, G>A. VCF-style: chrX-54440783-G-A. GRCh37 (hg19) VCF-style: chrX-54467216-G-A.
Other names: c.-213G>A (NM_001346790.2); c.-222G>A (NM_001346791.2); c.172+3G>A (NM_001346789.2); c.-114+281G>A (NM_001346792.2).
Identifiers: ClinVar variation 3725274 (VCV003725274.2).

ClinVar aggregate classification (germline): Uncertain significance (1 of 4 stars; one submission).

Submission:

Labcorp Genetics (formerly Invitae), Labcorp
Classification: Uncertain significance. Last evaluated: 2024-11-14. Review status: criteria provided, single submitter. Criteria: Invitae Variant Classification Sherloc (09022015). Collection method: clinical testing. Allele origin: germline.
Comment: This sequence change falls in intron 2 of the TSR2 gene. It does not directly change the encoded amino acid sequence of the TSR2 protein. It affects a nucleotide within the consensus splice site. This variant is present in population databases (no rsID available, gnomAD 0.008%). This variant has not been reported in the literature in individuals affected with TSR2-related conditions. Variants that disrupt the consensus splice site are a relatively common cause of aberrant splicing (PMID: 17576681, 9536098). Algorithms developed to predict the effect of sequence changes on RNA splicing suggest that this variant is not likely to affect RNA splicing. In summary, the available evidence is currently insufficient to determine the role of this variant in disease. Therefore, it has been classified as a Variant of Uncertain Significance.

Literature cited by the submitters: PubMed 17576681; PubMed 9536098.